The following is an entry in ClinVar:

ClinVar aggregate classification (germline): Uncertain significance (1 of 4 stars; one submission).

Conditions:
Intellectual disability. Also called: Intellectual functioning disability; intellectual disabilities; Intellectual developmental disorder. Identifiers: MedGen C3714756, MeSH D008607, MONDO:0001071, HP:0001249.

Submission:

Center for Statistical Genetics, Columbia University
Classification: Uncertain significance for Intellectual disability. Last evaluated: 2020-10-16. Review status: criteria provided, single submitter. Criteria: ACMG Guidelines, 2015. Collection method: research. Allele origin: de novo. Affected: yes.
Comment: Mosaic variant, NM_002529.3:c.2271C>G:p.(Y757*) + c.2271C>T:p.(Y757=) (mixture of both variants)

NM_002529.4(NTRK1):c.2271C>G (p.Tyr757Ter)

Gene: NTRK1 (neurotrophic receptor tyrosine kinase 1; plus strand). Cytogenetic location: 1q23.1.
Variant type: single nucleotide variant.
Coding change: c.2271C>G on transcript NM_002529.4 (MANE Select); coding-DNA position 2271, C replaced by G.
Protein change: p.Tyr757Ter; replaces tyrosine 757 with a stop codon.
Molecular consequence: nonsense.
Genome position (GRCh38, 1-based): chr1:156,881,522, C>G. VCF-style: chr1-156881522-C-G. GRCh37 (hg19) VCF-style: chr1-156851314-C-G.
Other names: c.2163C>G, p.Tyr721Ter (NM_001007792.1); c.2253C>G, p.Tyr751Ter (NM_001012331.2); short protein forms Y721*, Y751*, Y757*.
Identifiers: ClinVar variation 981911 (VCV000981911.1), dbSNP rs141540032, ClinGen allele CA342941559.